The following is an entry in ClinVar:

ClinVar aggregate classification (germline): Uncertain significance (1 of 4 stars; one submission).

Submission:

Labcorp Genetics (formerly Invitae), Labcorp
Classification: Uncertain significance. Last evaluated: 2024-11-03. Review status: criteria provided, single submitter. Criteria: Invitae Variant Classification Sherloc (09022015). Collection method: clinical testing. Allele origin: germline.
Comment: This sequence change replaces proline, which is neutral and non-polar, with leucine, which is neutral and non-polar, at codon 50 of the FBLN5 protein (p.Pro50Leu). This variant is not present in population databases (gnomAD no frequency). This variant has not been reported in the literature in individuals affected with FBLN5-related conditions. An algorithm developed to predict the effect of missense changes on protein structure and function (PolyPhen-2) suggests that this variant is likely to be tolerated. In summary, the available evidence is currently insufficient to determine the role of this variant in disease. Therefore, it has been classified as a Variant of Uncertain Significance.

NM_006329.4(FBLN5):c.149C>T (p.Pro50Leu)

Gene: FBLN5 (fibulin 5; minus strand). Cytogenetic location: 14q32.12.
Variant type: single nucleotide variant.
Coding change: c.149C>T on transcript NM_006329.4 (MANE Select); coding-DNA position 149, C replaced by T.
Protein change: p.Pro50Leu; replaces proline 50 with leucine.
Molecular consequence: missense variant. On other transcripts: 5 prime UTR variant (2).
Genome position (GRCh38, 1-based): chr14:91,937,177, G>A on the plus strand (C>T on the coding strand, the complement: FBLN5 is on the minus strand). VCF-style: chr14-91937177-G-A. GRCh37 (hg19) VCF-style: chr14-92403521-G-A.
Other names: c.272C>T, p.Pro91Leu (NM_001384158.1); c.200C>T, p.Pro67Leu (NM_001384159.1); c.149C>T, p.Pro50Leu (NM_001384160.1); c.-20C>T (NM_001384161.1, NM_001384162.1); short protein forms P67L, P50L, P91L.
Identifiers: ClinVar variation 3679036 (VCV003679036.2).